The following is an entry in ClinVar:

NM_014363.6(SACS):c.12463del (p.Met4155fs)

Gene: SACS (sacsin molecular chaperone; minus strand). Cytogenetic location: 13q12.12.
Variant type: Deletion.
Coding change: c.12463del on transcript NM_014363.6 (MANE Select); coding-DNA position 12463, one base deleted (A; older notation c.12463delA).
Protein change: p.Met4155fs; shifts the reading frame from methionine 4155.
Molecular consequence: frameshift variant.
Genome position (GRCh38, 1-based): chr13:23,331,413, T deleted on the plus strand (A on the coding strand, the reverse complement: SACS is on the minus strand); the first of 2 consecutive T bases (chr13:23,331,413-23,331,414); deleting either gives the same sequence. VCF-style (leftmost placement, unchanged base first): chr13-23331412-AT-A. GRCh37 (hg19) VCF-style: chr13-23905551-AT-A.
Other names: c.12022del, p.Met4008fs (NM_001278055.2); c.12463delA (NM_014363.6); short protein forms M4008fs, M4155fs.
Identifiers: ClinVar variation 3384690 (VCV003384690.1).

ClinVar aggregate classification (germline): Uncertain significance (1 of 4 stars; one submission).

Submission:

Women's Health and Genetics/Laboratory Corporation of America, LabCorp
Classification: Uncertain significance. Last evaluated: 2024-10-14. Review status: criteria provided, single submitter. Criteria: LabCorp Variant Classification Summary - May 2015. Collection method: clinical testing. Allele origin: germline.
Comment: Variant summary: SACS c.12463delA (p.Met4155CysfsX19) results in a premature termination codon, predicted to cause a truncation of the encoded protein or absence of the protein due to nonsense mediated decay, which are commonly known mechanisms for disease. The variant was absent in 251312 control chromosomes (gnomAD). The available data on variant occurrences in the general population are insufficient to allow any conclusion about variant significance. To our knowledge, no occurrence of c.12463delA in individuals affected with Autosomal Recessive Spastic Ataxia Of Charlevoix-Saguenay and no experimental evidence demonstrating its impact on protein function have been reported. No submitters have cited clinical-significance assessments for this variant to ClinVar. Based on the evidence outlined above, the variant was classified as uncertain significance.